The following is an entry in ClinVar:

NM_001267550.2(TTN):c.38875+1G>T

Gene: TTN (titin; minus strand). Cytogenetic location: 2q31.2.
Variant type: single nucleotide variant.
Coding change: c.38875+1G>T on transcript NM_001267550.2 (MANE Select); the canonical splice donor site of the intron after coding-DNA position 38875, G replaced by T.
Molecular consequence: splice donor variant. On other transcripts: intron variant (5).
Genome position (GRCh38, 1-based): chr2:178,653,040, C>A on the plus strand (G>T on the coding strand, the complement: TTN is on the minus strand). VCF-style: chr2-178653040-C-A. GRCh37 (hg19) VCF-style: chr2-179517767-C-A.
Other names: c.13283-10723G>T (NM_003319.4); c.13859-10723G>T (NM_133437.4); c.13658-10723G>T (NM_133432.3); c.31742-499G>T (NM_133378.4); c.34523-499G>T (NM_001256850.1).
Identifiers: ClinVar variation 4881996 (VCV004881996.2).

ClinVar aggregate classification (germline): Uncertain significance (1 of 4 stars; one submission).

Conditions:
Dilated cardiomyopathy 1G (CMD1G). Identifiers: Orphanet 154, MedGen C1858763, MONDO:0011400, OMIM 604145.

gnomAD v4.1: 3 of 1,613,036 alleles (0.00019%); highest among the groups gnomAD compares: East Asian, 0.0022%; no homozygotes.

Submission:

Dasa
Classification: Uncertain significance for Dilated cardiomyopathy 1G. Last evaluated: 2026-02-25. Review status: criteria provided, single submitter. Criteria: DASA Assertion Criteria. Collection method: clinical testing. Allele origin: germline.
Comment: NM_001267550.2(TTN):c.38875+1G>T affects a canonical splice site and is predicted to disrupt normal RNA splicing. This variant is rare in population databases. The currently available literature and clinical evidence are not sufficient to establish a definitive association between this variant and the reported condition. Therefore, this variant is classified as a variant of uncertain significance.